The following is an entry in ClinVar:

NM_031935.3(HMCN1):c.3805C>A (p.Pro1269Thr)

Gene: HMCN1 (hemicentin 1; plus strand). Cytogenetic location: 1q31.1.
Variant type: single nucleotide variant.
Coding change: c.3805C>A on transcript NM_031935.3 (MANE Select); coding-DNA position 3805, C replaced by A.
Protein change: p.Pro1269Thr; replaces proline 1269 with threonine.
Molecular consequence: missense variant.
Genome position (GRCh38, 1-based): chr1:185,997,455, C>A. VCF-style: chr1-185997455-C-A. GRCh37 (hg19) VCF-style: chr1-185966587-C-A.
Other names: short protein forms P1269T.
Identifiers: ClinVar variation 1428763 (VCV001428763.6), dbSNP rs2102052587, ClinGen allele CA343873026.

ClinVar aggregate classification (germline): Uncertain significance (1 of 4 stars; one submission).

Submission:

Labcorp Genetics (formerly Invitae), Labcorp
Classification: Uncertain significance. Last evaluated: 2024-10-23. Review status: criteria provided, single submitter. Criteria: Invitae Variant Classification Sherloc (09022015). Collection method: clinical testing. Allele origin: germline.
Comment: This sequence change replaces proline, which is neutral and non-polar, with threonine, which is neutral and polar, at codon 1269 of the HMCN1 protein (p.Pro1269Thr). This variant is not present in population databases (gnomAD no frequency). This variant has not been reported in the literature in individuals affected with HMCN1-related conditions. ClinVar contains an entry for this variant (Variation ID: 1428763). An algorithm developed to predict the effect of missense changes on protein structure and function (PolyPhen-2) suggests that this variant is likely to be disruptive. In summary, the available evidence is currently insufficient to determine the role of this variant in disease. Therefore, it has been classified as a Variant of Uncertain Significance.